The following is an entry in ClinVar:

ClinVar aggregate classification (germline): Uncertain significance. Review status: criteria provided, multiple submitters, no conflicts (2 of 4 stars). 2 submissions from 2 submitters: Uncertain significance (2). Last evaluated 2021-08-31.

Conditions:
Very long chain acyl-CoA dehydrogenase deficiency (ACADVLD). Also called: Very Long-Chain Acyl-Coenzyme A Dehydrogenase Deficiency; VLCAD Deficiency. Identifiers: Orphanet 26793, MedGen C3887523, MONDO:0008723, OMIM 201475.

Allele frequency attached by ClinVar (database versions not stated): gnomAD 0.00001; TOPMed 0.00002.
gnomAD v4.1: 9 of 1,613,676 alleles (0.00056%); highest among the groups gnomAD compares: East Asian, 0.0022%; no homozygotes.

Submissions (2):

Labcorp Genetics (formerly Invitae), Labcorp
Classification: Uncertain significance for Very long chain acyl-CoA dehydrogenase deficiency. Last evaluated: 2021-08-31. Review status: criteria provided, single submitter. Criteria: Invitae Variant Classification Sherloc (09022015). Collection method: clinical testing. Allele origin: germline.
Comment: This sequence change falls in intron 16 of the ACADVL gene. It does not directly change the encoded amino acid sequence of the ACADVL protein. It affects a nucleotide within the consensus splice site of the intron. This variant is present in population databases (rs759274087, ExAC 0.01%). This variant has been observed in individual(s) with a positive newborn screening result for ACADVL-related disease (Invitae). Variants that disrupt the consensus splice site are a relatively common cause of aberrant splicing (PMID: 17576681, 9536098). Algorithms developed to predict the effect of sequence changes on RNA splicing suggest that this variant is not likely to affect RNA splicing. In summary, the available evidence is currently insufficient to determine the role of this variant in disease. Therefore, it has been classified as a Variant of Uncertain Significance.

Wong Mito Lab, Molecular and Human Genetics, Baylor College of Medicine
Classification: Uncertain significance for Very long chain acyl-CoA dehydrogenase deficiency. Last evaluated: 2019-11-01. Review status: criteria provided, single submitter. Criteria: ACMG Guidelines, 2015. Collection method: clinical testing. Allele origin: germline.
Comment: The NM_000018.3:c.1605+3A>G (NP_000009.1:p.?) [GRCH38: NC_000017.11:g.7224396A>G] variant in ACADVL gene is interpretated to be Uncertain Significance based on ACMG guidelines (PMID: 25741868). This variant has been reported. This variant dose not meet any evidence codes reported in the ACMG guidelines.

Literature cited by the submitters: PubMed 17576681 (cited by Labcorp Genetics (formerly Invitae), Labcorp); PubMed 9536098 (cited by Labcorp Genetics (formerly Invitae), Labcorp).

NM_000018.4(ACADVL):c.1605+3A>G

Gene: ACADVL (acyl-CoA dehydrogenase very long chain; plus strand). Cytogenetic location: 17p13.1.
Variant type: single nucleotide variant.
Coding change: c.1605+3A>G on transcript NM_000018.4 (MANE Select); 3 bases into the intron after coding-DNA position 1605, A replaced by G.
Molecular consequence: intron variant.
Genome position (GRCh38, 1-based): chr17:7,224,396, A>G. VCF-style: chr17-7224396-A-G. GRCh37 (hg19) VCF-style: chr17-7127715-A-G.
Other names: c.1674+3A>G (NM_001270447.2); c.1377+3A>G (NM_001270448.2); c.1539+3A>G (NM_001033859.3).
Identifiers: ClinVar variation 932824 (VCV000932824.7), dbSNP rs759274087, ClinGen allele CA8338167.